The following is an entry in ClinVar:

NM_021076.4(NEFH):c.2777C>T (p.Thr926Ile)

Gene: NEFH (neurofilament heavy chain; plus strand). Cytogenetic location: 22q12.2.
Variant type: single nucleotide variant.
Coding change: c.2777C>T on transcript NM_021076.4 (MANE Select); coding-DNA position 2777, C replaced by T.
Protein change: p.Thr926Ile; replaces threonine 926 with isoleucine.
Molecular consequence: missense variant.
Genome position (GRCh38, 1-based): chr22:29,490,417, C>T. VCF-style: chr22-29490417-C-T. GRCh37 (hg19) VCF-style: chr22-29886406-C-T.
Other names: short protein forms T926I.
Identifiers: ClinVar variation 1795861 (VCV001795861.12), dbSNP rs148281272, ClinGen allele CA10174489.

ClinVar aggregate classification (germline): Conflicting classifications of pathogenicity. Review status: criteria provided, conflicting classifications (1 of 4 stars). 3 submissions from 3 submitters: Uncertain significance (2); Likely benign (1). Last evaluated 2025-12-01.

Conditions:
Inborn genetic diseases. Identifiers: MedGen C0950123, MeSH D030342.

Allele frequency attached by ClinVar (database versions not stated): gnomAD exomes 0.00001; ExAC 0.00003; gnomAD 0.00003; TOPMed 0.00006; ESP Exome Variant Server 0.00008; 1000 Genomes Project 30x 0.00016; 1000 Genomes Project 0.00020.
gnomAD v4.1: 19 of 1,609,964 alleles (0.0012%); highest among the groups gnomAD compares: African/African-American, 0.02%; no homozygotes.

Submissions (3):

CeGaT Center for Human Genetics Tuebingen
Classification: Uncertain significance. Last evaluated: 2025-12-01. Review status: criteria provided, single submitter. Criteria: CeGaT Center For Human Genetics Tuebingen Variant Classification Criteria Version 2. Collection method: clinical testing. Allele origin: germline. Affected: yes. Observed: 1 variant allele.
Comment: NEFH: PM2:Supporting, BP4

Labcorp Genetics (formerly Invitae), Labcorp
Classification: Uncertain significance. Last evaluated: 2025-07-09. Review status: criteria provided, single submitter. Criteria: Invitae Variant Classification Sherloc (09022015). Collection method: clinical testing. Allele origin: germline.
Comment: This sequence change replaces threonine, which is neutral and polar, with isoleucine, which is neutral and non-polar, at codon 926 of the NEFH protein (p.Thr926Ile). This variant is present in population databases (rs148281272, gnomAD 0.02%). This variant has not been reported in the literature in individuals affected with NEFH-related conditions. ClinVar contains an entry for this variant (Variation ID: 1795861). Invitae Evidence Modeling of protein sequence and biophysical properties (such as structural, functional, and spatial information, amino acid conservation, physicochemical variation, residue mobility, and thermodynamic stability) indicates that this missense variant is not expected to disrupt NEFH protein function with a negative predictive value of 95%. In summary, the available evidence is currently insufficient to determine the role of this variant in disease. Therefore, it has been classified as a Variant of Uncertain Significance.

Ambry Genetics
Classification: Likely benign for Inborn genetic diseases. Last evaluated: 2021-11-12. Review status: criteria provided, single submitter. Criteria: Ambry Variant Classification Scheme 2023. Collection method: clinical testing. Allele origin: germline.